The following is an entry in ClinVar:

NM_001382391.1(CSPP1):c.1521C>T (p.Pro507=)

Gene: CSPP1 (centrosome and spindle pole associated protein 1; plus strand). Cytogenetic location: 8q13.2.
Variant type: single nucleotide variant.
Coding change: c.1521C>T on transcript NM_001382391.1 (MANE Select); coding-DNA position 1521, C replaced by T.
Protein change: p.Pro507=; no amino-acid change (proline 507 retained).
Molecular consequence: synonymous variant.
Genome position (GRCh38, 1-based): chr8:67,118,272, C>T. VCF-style: chr8-67118272-C-T. GRCh37 (hg19) VCF-style: chr8-68030507-C-T.
Other names: c.624C>T, p.Pro208= (NM_001291339.2); c.1440C>T, p.Pro480= (NM_001363131.2); c.1479C>T, p.Pro493= (NM_001363132.2); c.1398C>T, p.Pro466= (NM_001363133.2); c.1587C>T, p.Pro529= (NM_001364869.1); c.1407C>T, p.Pro469= (NM_001364870.1); c.1506C>T, p.Pro502= (NM_024790.7).
Identifiers: ClinVar variation 707016 (VCV000707016.30), dbSNP rs199923715, ClinGen allele CA4770567.

ClinVar aggregate classification (germline): Benign/Likely benign. Review status: criteria provided, multiple submitters, no conflicts (2 of 4 stars). 3 submissions from 3 submitters: Benign (2); Likely benign (1). Last evaluated 2025-12-01.

Conditions:
Joubert syndrome 21 (JBTS21). Identifiers: MedGen C3810212, MONDO:0014288, OMIM 615636.

Allele frequency attached by ClinVar (database versions not stated): gnomAD 0.00001 and 0.00034; TOPMed 0.00004; gnomAD exomes 0.00150; 1000 Genomes Project 0.00160; ExAC 0.00164; 1000 Genomes Project 30x 0.00187.
gnomAD v4.1: 1,081 of 1,613,664 alleles (0.067%); highest among the groups gnomAD compares: South Asian, 1.1%; 14 homozygotes.

Submissions (3):

Labcorp Genetics (formerly Invitae), Labcorp
Classification: Benign for Joubert syndrome 21. Last evaluated: 2025-12-01. Review status: criteria provided, single submitter. Criteria: Invitae Variant Classification Sherloc (09022015). Collection method: clinical testing. Allele origin: germline.

Blueprint Genetics
Classification: Likely benign. Last evaluated: 2024-11-26. Review status: criteria provided, single submitter. Criteria: ACMG Guidelines, 2015. Collection method: clinical testing. Allele origin: germline.

CeGaT Center for Human Genetics Tuebingen
Classification: Benign. Last evaluated: 2024-06-01. Review status: criteria provided, single submitter. Criteria: CeGaT Center For Human Genetics Tuebingen Variant Classification Criteria Version 2. Collection method: clinical testing. Allele origin: germline. Affected: yes. Observed: 1 variant allele.
Comment: CSPP1: BP4, BP7, BS1, BS2